The following is an entry in ClinVar:

ClinVar aggregate classification (germline): Uncertain significance (1 of 4 stars; one submission).

Conditions:
Pitt-Hopkins-like syndrome 2 (PTHSL2). Identifiers: Orphanet 221150, Orphanet 600663, MedGen C3280479, MONDO:0013690, OMIM 614325.

Submission:

Labcorp Genetics (formerly Invitae), Labcorp
Classification: Uncertain significance for Pitt-Hopkins-like syndrome 2. Last evaluated: 2024-03-20. Review status: criteria provided, single submitter. Criteria: Invitae Variant Classification Sherloc (09022015). Collection method: clinical testing. Allele origin: germline.
Comment: This sequence change replaces proline, which is neutral and non-polar, with leucine, which is neutral and non-polar, at codon 287 of the NRXN1 protein (p.Pro287Leu). This variant is not present in population databases (gnomAD no frequency). This variant has not been reported in the literature in individuals affected with NRXN1-related conditions. An algorithm developed to predict the effect of missense changes on protein structure and function (PolyPhen-2) suggests that this variant is likely to be tolerated. In summary, the available evidence is currently insufficient to determine the role of this variant in disease. Therefore, it has been classified as a Variant of Uncertain Significance.

NM_001330078.2(NRXN1):c.772+1120C>T

Gene: NRXN1 (neurexin 1; minus strand). Cytogenetic location: 2p16.3.
Variant type: single nucleotide variant.
Coding change: c.772+1120C>T on transcript NM_001330078.2 (MANE Select); 1120 bases into the intron after coding-DNA position 772, C replaced by T.
Molecular consequence: intron variant. On other transcripts: missense variant (1).
Genome position (GRCh38, 1-based): chr2:51,026,382, G>A on the plus strand (C>T on the coding strand, the complement: NRXN1 is on the minus strand). VCF-style: chr2-51026382-G-A. GRCh37 (hg19) VCF-style: chr2-51253520-G-A.
Other names: c.860C>T, p.Pro287Leu (NM_001135659.3); c.772+1120C>T (NM_001330096.2, NM_001330087.2, NM_001330083.2 and 14 more transcripts); short protein forms P287L.
Identifiers: ClinVar variation 2694118 (VCV002694118.3), dbSNP rs2468055043, ClinGen allele CA346823021.